The following is an entry in ClinVar:

NM_005609.4(PYGM):c.1373G>A (p.Arg458His)

Gene: PYGM (glycogen phosphorylase, muscle associated; minus strand). Cytogenetic location: 11q13.1.
Variant type: single nucleotide variant.
Coding change: c.1373G>A on transcript NM_005609.4 (MANE Select); coding-DNA position 1373, G replaced by A.
Protein change: p.Arg458His; replaces arginine 458 with histidine.
Molecular consequence: missense variant.
Genome position (GRCh38, 1-based): chr11:64,753,549, C>T on the plus strand (G>A on the coding strand, the complement: PYGM is on the minus strand). VCF-style: chr11-64753549-C-T. GRCh37 (hg19) VCF-style: chr11-64521021-C-T.
Other names: c.1109G>A, p.Arg370His (NM_001164716.1); short protein forms R458H, R370H.
Identifiers: ClinVar variation 3715768 (VCV003715768.2).
Genomic context (GRCh38, chr11:64,753,549, plus strand): 5'-GAGGGGCGGGATCTGGAAAGCGGGGCTCACATGGTCTTCTTGAGGATCTCGGAGTGGATG[C>T]GCGCCACGCCGTTGACGGCGTGCGACCCCGCGATGCACAGGTGTGCCATGTTGATGCGCT-3'
Protein context (NP_005600.1, residues 448-468): AGSHAVNGVA[Arg458His]IHSEILKKTI

ClinVar aggregate classification (germline): Uncertain significance (1 of 4 stars; one submission).

Conditions:
Glycogen storage disease, type V (GSD5). Also called: MCARDLE DISEASE; MUSCLE GLYCOGEN PHOSPHORYLASE DEFICIENCY; MYOPHOSPHORYLASE DEFICIENCY; PYGM DEFICIENCY; McArdle type glycogen storage disease. Identifiers: Orphanet 368, MedGen C0017924, MONDO:0009293, OMIM 232600.

gnomAD v4.1: 18 of 1,597,238 alleles (0.0011%); highest among the groups gnomAD compares: South Asian, 0.0089%; no homozygotes.

Submission:

Labcorp Genetics (formerly Invitae), Labcorp
Classification: Uncertain significance for Glycogen storage disease, type V. Last evaluated: 2024-04-27. Review status: criteria provided, single submitter. Criteria: Invitae Variant Classification Sherloc (09022015). Collection method: clinical testing. Allele origin: germline.
Comment: This sequence change replaces arginine, which is basic and polar, with histidine, which is basic and polar, at codon 458 of the PYGM protein (p.Arg458His). The frequency data for this variant in the population databases is considered unreliable, as metrics indicate poor data quality at this position in the gnomAD database. This variant has not been reported in the literature in individuals affected with PYGM-related conditions. Advanced modeling of protein sequence and biophysical properties (such as structural, functional, and spatial information, amino acid conservation, physicochemical variation, residue mobility, and thermodynamic stability) performed at Invitae indicates that this missense variant is not expected to disrupt PYGM protein function with a negative predictive value of 80%. In summary, the available evidence is currently insufficient to determine the role of this variant in disease. Therefore, it has been classified as a Variant of Uncertain Significance.